The following is an entry in ClinVar:

NM_004186.5(SEMA3F):c.2072G>A (p.Arg691Gln)

Gene: SEMA3F (semaphorin 3F; plus strand). Cytogenetic location: 3p21.31.
Variant type: single nucleotide variant.
Coding change: c.2072G>A on transcript NM_004186.5 (MANE Select); coding-DNA position 2072, G replaced by A.
Protein change: p.Arg691Gln; replaces arginine 691 with glutamine.
Molecular consequence: missense variant.
Genome position (GRCh38, 1-based): chr3:50,187,829, G>A. VCF-style: chr3-50187829-G-A. GRCh37 (hg19) VCF-style: chr3-50225262-G-A.
Other names: c.1775G>A, p.Arg592Gln (NM_001318798.2); c.1979G>A, p.Arg660Gln (NM_001318800.2); short protein forms R592Q, R660Q, R691Q.
Identifiers: ClinVar variation 3350437 (VCV003350437.2).
Genomic context (GRCh38, chr3:50,187,829, plus strand): 5'-GCGATCGTGGCCTCTACTCCTGCACAGCCACTGAGAACAACTTTAAGCACGTCGTCACAC[G>A]AGTGCAGCTGCATGTACTGGGCCGGGACGCCGTCCATGCTGCCCTCTTCCCACCACTGTC-3'
Protein context (NP_004177.3, residues 681-701): TENNFKHVVT[Arg691Gln]VQLHVLGRDA

ClinVar aggregate classification (germline): Uncertain significance (1 of 4 stars; one submission).

Conditions:
SEMA3F-related disorder. Also called: SEMA3F-related condition.

gnomAD v4.1: 11 of 1,613,306 alleles (0.00068%); highest among the groups gnomAD compares: East Asian, 0.0067%; no homozygotes.

Submission:

PreventionGenetics, part of Exact Sciences
Classification: Uncertain significance for SEMA3F-related condition. Last evaluated: 2025-01-21. Review status: criteria provided, single submitter. Criteria: ACMG Guidelines, 2015. Collection method: clinical testing. Allele origin: germline.
Comment: The SEMA3F c.2072G>A variant is predicted to result in the amino acid substitution p.Arg691Gln. To our knowledge, this variant has not been reported in the literature. This variant is reported in 0.00088% of alleles in individuals of European (Non-Finnish) descent in gnomAD. At this time, the clinical significance of this variant is uncertain due to the absence of conclusive functional and genetic evidence.